The following is an entry in ClinVar:

ClinVar aggregate classification (germline): Uncertain significance. Review status: criteria provided, multiple submitters, no conflicts (2 of 4 stars). 2 submissions from 2 submitters: Uncertain significance (2). Last evaluated 2025-11-02.

Conditions:
Capillary malformation-arteriovenous malformation syndrome. Also called: Capillary malformation-arteriovenous malformation. Identifiers: Orphanet 137667, MedGen C1842180, MONDO:0012016.

Submissions (2):

Labcorp Genetics (formerly Invitae), Labcorp
Classification: Uncertain significance for Capillary malformation-arteriovenous malformation syndrome. Last evaluated: 2025-11-02. Review status: criteria provided, single submitter. Criteria: Invitae Variant Classification Sherloc (09022015). Collection method: clinical testing. Allele origin: germline.
Comment: This sequence change replaces proline, which is neutral and non-polar, with alanine, which is neutral and non-polar, at codon 138 of the RASA1 protein (p.Pro138Ala). This variant is not present in population databases (gnomAD no frequency). This variant has not been reported in the literature in individuals affected with RASA1-related conditions. ClinVar contains an entry for this variant (Variation ID: 1693899). An algorithm developed to predict the effect of missense changes on protein structure and function (PolyPhen-2) suggests that this variant is likely to be disruptive. In summary, the available evidence is currently insufficient to determine the role of this variant in disease. Therefore, it has been classified as a Variant of Uncertain Significance.

Mayo Clinic Laboratories, Mayo Clinic
Classification: Uncertain significance. Last evaluated: 2021-06-30. Review status: criteria provided, single submitter. Criteria: ACMG Guidelines, 2015. Collection method: clinical testing. Allele origin: germline.

NM_002890.3(RASA1):c.412C>G (p.Pro138Ala)

Gene: RASA1 (RAS p21 protein activator 1; plus strand). Cytogenetic location: 5q14.3.
Variant type: single nucleotide variant.
Coding change: c.412C>G on transcript NM_002890.3 (MANE Select); coding-DNA position 412, C replaced by G.
Protein change: p.Pro138Ala; replaces proline 138 with alanine.
Molecular consequence: missense variant.
Genome position (GRCh38, 1-based): chr5:87,268,863, C>G. VCF-style: chr5-87268863-C-G. GRCh37 (hg19) VCF-style: chr5-86564680-C-G.
Other names: p.Pro138Ala; short protein forms P138A.
Identifiers: ClinVar variation 1693899 (VCV001693899.5), dbSNP rs775315018, ClinGen allele CA360417341.